The following is an entry in ClinVar:

ClinVar aggregate classification (germline): Uncertain significance (1 of 4 stars; one submission).

Conditions:
Hereditary cancer-predisposing syndrome. Also called: Hereditary neoplastic syndrome; Neoplastic Syndromes, Hereditary; Tumor predisposition; Hereditary Cancer Syndrome. Identifiers: Orphanet 140162, MedGen C0027672, MeSH D009386, MONDO:0015356.

Submission:

Ambry Genetics
Classification: Uncertain significance for Hereditary cancer-predisposing syndrome. Last evaluated: 2025-03-07. Review status: criteria provided, single submitter. Criteria: Ambry Variant Classification Scheme 2023. Collection method: clinical testing. Allele origin: germline.
Comment: The c.2668_2669delAT variant, located in coding exon 22 of the EGFR gene, results from a deletion of two nucleotides at nucleotide positions 2668 to 2669, causing a translational frameshift with a predicted alternate stop codon (p.I890Lfs*6). Loss-of-function variants subject to nonsense mediated decay (NMD) in EGFR are known to cause EGFR-related neonatal inflammatory skin and bowel disease; however, such associations with EGFR-related lung cancer have not been reported. Based on the supporting evidence, this alteration is pathogenic for EGFR-related neonatal inflammatory skin and bowel disease; however, the association of this alteration with EGFR-related lung cancer is unknown.

NM_005228.5(EGFR):c.2668_2669del (p.Ile890fs)

Gene: EGFR (epidermal growth factor receptor; plus strand). Cytogenetic location: 7p11.2.
Variant type: Deletion.
Coding change: c.2668_2669del on transcript NM_005228.5 (MANE Select); coding-DNA positions 2668 to 2669, 2 bases deleted (AT; older notation c.2668_2669delAT).
Protein change: p.Ile890fs; shifts the reading frame from isoleucine 890.
Molecular consequence: frameshift variant.
Genome position (GRCh38, 1-based): chr7:55,192,808-55,192,809, AT deleted. VCF-style (leftmost placement, unchanged base first): chr7-55192807-AAT-A. GRCh37 (hg19) VCF-style: chr7-55260500-AAT-A.
Other names: c.2533_2534del, p.Ile845fs (NM_001346897.2, NM_001346899.2); c.2668_2669del, p.Ile890fs (NM_001346898.2); c.2509_2510del, p.Ile837fs (NM_001346900.2); c.1867_1868del, p.Ile623fs (NM_001346941.2); short protein forms I837fs, I623fs, I890fs, I845fs.
Identifiers: ClinVar variation 3843850 (VCV003843850.1).